The following is an entry in ClinVar:

NM_020975.6(RET):c.2708A>G (p.Asp903Gly)

Gene: RET (ret proto-oncogene; plus strand). Cytogenetic location: 10q11.21.
Variant type: single nucleotide variant.
Coding change: c.2708A>G on transcript NM_020975.6 (MANE Select); coding-DNA position 2708, A replaced by G.
Protein change: p.Asp903Gly; replaces aspartic acid 903 with glycine.
Molecular consequence: missense variant.
Genome position (GRCh38, 1-based): chr10:43,120,181, A>G. VCF-style: chr10-43120181-A-G. GRCh37 (hg19) VCF-style: chr10-43615629-A-G.
Other names: c.2708A>G, p.Asp903Gly (NM_000323.2, NM_001406743.1, NM_001406744.1 and 4 more transcripts); c.1946A>G, p.Asp649Gly (NM_001355216.2); c.2579A>G, p.Asp860Gly (NM_001406761.1, NM_001406762.1, NM_001406764.1); c.2573A>G, p.Asp858Gly (NM_001406763.1, NM_001406765.1); c.2420A>G, p.Asp807Gly (NM_001406766.1, NM_001406767.1, NM_001406770.1); c.2444A>G, p.Asp815Gly (NM_001406768.1); c.2312A>G, p.Asp771Gly (NM_001406769.1, NM_001406772.1); c.2270A>G, p.Asp757Gly (NM_001406771.1, NM_001406773.1); and 10 more; short protein forms D903G, D649G, D564G, D757G, D815G, D559G, D860G, D420G.
Identifiers: ClinVar variation 660190 (VCV000660190.14), dbSNP rs1423488525, ClinGen allele CA376557275.

ClinVar aggregate classification (germline): Uncertain significance. Review status: criteria provided, multiple submitters, no conflicts (2 of 4 stars). 4 submissions from 4 submitters: Uncertain significance (4). Last evaluated 2025-09-03.

Conditions:
Hereditary cancer-predisposing syndrome. Also called: Neoplastic Syndromes, Hereditary; Hereditary Cancer Syndrome; Tumor predisposition; Hereditary neoplastic syndrome. Identifiers: Orphanet 140162, MedGen C0027672, MeSH D009386, MONDO:0015356.
Hirschsprung disease, susceptibility to, 1 (HSCR1). Also called: RET-Related Hirschsprung Disease. Identifiers: Orphanet 388, MedGen C3888239, MONDO:0007723, OMIM 142623.
Multiple endocrine neoplasia type 2B. Also called: MEN 2B; MUCOSAL NEUROMA SYNDROME; Multiple endocrine neoplasia, type 3; MULTIPLE ENDOCRINE NEOPLASIA, TYPE IIB; Multiple Endocrine Neoplasia Type 2B (MEN2B); MEN IIB. Identifiers: Orphanet 247709, Orphanet 653, MedGen C0025269, MeSH D018814, MONDO:0008082, OMIM 162300.
Pheochromocytoma. Also called: MAX-Related Hereditary Paraganglioma-Pheochromocytoma Syndrome. Identifiers: Orphanet 29072, MedGen C0031511, MONDO:0008233, OMIM 171300, HP:0002666.
Familial medullary thyroid carcinoma (MTC). Also called: Thyroid cancer, familial medullary; MTC, familial; Familial Medullary Thyroid Carcinoma (FMTC). Identifiers: Orphanet 653, Orphanet 99361, MedGen C1833921, MONDO:0007958, OMIM 155240.
Multiple endocrine neoplasia type 2A. Also called: MULTIPLE ENDOCRINE NEOPLASIA, TYPE IIA; PTC SYNDROME; SIPPLE SYNDROME; MEN 2A; MEN-2A syndrome; Pheochromocytoma and amyloid producing medullary thyroid carcinoma. Identifiers: Orphanet 247698, Orphanet 653, MedGen C0025268, MeSH D018813, MONDO:0008234, OMIM 171400.
Multiple endocrine neoplasia, type 2 (MEN2). Identifiers: Orphanet 653, MedGen C4048306, MONDO:0019003. Disease mechanism: gain of function.

Allele frequency attached by ClinVar (database versions not stated): gnomAD exomes below 0.00001; TOPMed below 0.00001.
gnomAD v4.1: 1 of 1,613,280 alleles (0.000062%); highest among the groups gnomAD compares: Non-Finnish European, 0.000085%; no homozygotes.

Submissions (4):

Labcorp Genetics (formerly Invitae), Labcorp
Classification: Uncertain significance for Multiple endocrine neoplasia, type 2. Last evaluated: 2025-09-03. Review status: criteria provided, single submitter. Criteria: Invitae Variant Classification Sherloc (09022015). Collection method: clinical testing. Allele origin: germline.
Comment: This sequence change replaces aspartic acid, which is acidic and polar, with glycine, which is neutral and non-polar, at codon 903 of the RET protein (p.Asp903Gly). This variant is not present in population databases (gnomAD no frequency). This variant has not been reported in the literature in individuals affected with RET-related conditions. ClinVar contains an entry for this variant (Variation ID: 660190). An algorithm developed to predict the effect of missense changes on protein structure and function (PolyPhen-2) suggests that this variant is likely to be disruptive. In summary, the available evidence is currently insufficient to determine the role of this variant in disease. Therefore, it has been classified as a Variant of Uncertain Significance.

Color Diagnostics, LLC DBA Color Health
Classification: Uncertain significance for Multiple endocrine neoplasia, type 2. Last evaluated: 2025-05-30. Review status: criteria provided, single submitter. Criteria: ACMG Guidelines, 2015. Collection method: clinical testing. Allele origin: germline.
Comment: This missense variant replaces aspartic acid with glycine at codon 903 of the RET protein. Computational prediction suggests that this variant may have deleterious impact on protein structure and function. To our knowledge, functional studies have not been reported for this variant. This variant has not been reported in individuals affected with RET-related disorders in the literature. This variant has not been identified in the general population by the Genome Aggregation Database (gnomAD). The available evidence is insufficient to determine the role of this variant in disease conclusively. Therefore, this variant is classified as a Variant of Uncertain Significance.

Ambry Genetics
Classification: Uncertain significance for Hereditary cancer-predisposing syndrome. Last evaluated: 2025-04-03. Review status: criteria provided, single submitter. Criteria: Ambry Variant Classification Scheme 2023. Collection method: clinical testing. Allele origin: germline.
Comment: The p.D903G variant (also known as c.2708A>G), located in coding exon 15 of the RET gene, results from an A to G substitution at nucleotide position 2708. The aspartic acid at codon 903 is replaced by glycine, an amino acid with similar properties. This amino acid position is highly conserved in available vertebrate species. In addition, this alteration is predicted to be deleterious by in silico analysis. Since supporting evidence is limited at this time, the clinical significance of this alteration remains unclear.

Fulgent Genetics
Classification: Uncertain significance for Hirschsprung disease, susceptibility to, 1; Familial medullary thyroid carcinoma; Multiple endocrine neoplasia type 2B; Pheochromocytoma; Multiple endocrine neoplasia type 2A. Last evaluated: 2024-02-20. Review status: criteria provided, single submitter. Criteria: ACMG Guidelines, 2015. Collection method: clinical testing. Allele origin: germline.